The following is an entry in ClinVar:

NM_000426.4(LAMA2):c.5412_5428del (p.Phe1804fs)

Gene: LAMA2 (laminin subunit alpha 2; plus strand). Cytogenetic location: 6q22.33.
Variant type: Deletion.
Coding change: c.5412_5428del on transcript NM_000426.4 (MANE Select); coding-DNA positions 5412 to 5428, 17 bases deleted (TGCAGTAAATCAGAAAA).
Protein change: p.Phe1804fs; shifts the reading frame from phenylalanine 1804.
Molecular consequence: frameshift variant.
Genome position (GRCh38, 1-based): chr6:129,393,222-129,393,238, TGCAGTAAATCAGAAAA deleted. VCF-style (leftmost placement, unchanged base first): chr6-129393221-TTGCAGTAAATCAGAAAA-T. GRCh37 (hg19) VCF-style: chr6-129714366-TTGCAGTAAATCAGAAAA-T.
Other names: c.5412_5428del, p.Phe1804fs (NM_001079823.2); short protein forms F1804fs.
Identifiers: ClinVar variation 5012800 (VCV005012800.1).
Genomic context (GRCh38, chr6:129,393,221, plus strand): 5'-ATGATGCTTGGGACCTTTTGAGAGAAGCCACAGATAAAATCAGAGAAGCTAATCGCCTAT[TTGCAGTAAATCAGAAAA>T]ACATGACTGCATTGGAGGTGAGTCTTAGGGGCACTTTTATCTTAATCTCAGAAGGTTGGG-3'

ClinVar aggregate classification (germline): Pathogenic (1 of 4 stars; one submission).

Conditions:
LAMA2-related muscular dystrophy (LAMA2-RD). Also called: Laminin alpha 2-related dystrophy. Identifiers: MedGen C5679788, MONDO:0100228.

Submission:

Myriad Genetics, Inc.
Classification: Pathogenic for LAMA2-related muscular dystrophy. Last evaluated: 2024-03-06. Review status: criteria provided, single submitter. Criteria: Myriad Autosomal Dominant, Autosomal Recessive and X-Linked Classification Criteria (2023). Collection method: clinical testing. Allele origin: unknown.
Comment: NM_000426.3(LAMA2):c.5412_5428del17(F1804Lfs*13) is expected to be pathogenic in the context of muscular dystrophy, LAMA2-related. This variant is predicted to lead to an abnormal or absent protein product due to the creation of a premature termination codon in LAMA2, a gene where loss-of-function variants are known to be pathogenic. Please note: this variant was assessed in the context of healthy population screening.